The following is an entry in ClinVar:

NM_007294.4(BRCA1):c.2452T>G (p.Cys818Gly)

Gene: BRCA1 (BRCA1 DNA repair associated; minus strand). Cytogenetic location: 17q21.31.
Variant type: single nucleotide variant.
Coding change: c.2452T>G on transcript NM_007294.4 (MANE Select); coding-DNA position 2452, T replaced by G.
Protein change: p.Cys818Gly; replaces cysteine 818 with glycine.
Molecular consequence: missense variant. On other transcripts: intron variant (137).
Genome position (GRCh38, 1-based): chr17:43,093,079, A>C on the plus strand (T>G on the coding strand, the complement: BRCA1 is on the minus strand). VCF-style: chr17-43093079-A-C. GRCh37 (hg19) VCF-style: chr17-41245096-A-C.
Other names: c.2188T>G, p.Cys730Gly (NM_001407920.1, NM_001407921.1, NM_001407922.1 and 9 more transcripts); c.2185T>G, p.Cys729Gly (NM_001407930.1, NM_001407931.1, NM_001407932.1 and 2 more transcripts); c.2329T>G, p.Cys777Gly (NM_001407937.1, NM_001407938.1, NM_001407939.1 and 19 more transcripts); c.2326T>G, p.Cys776Gly (NM_001407940.1, NM_001407941.1, NM_001407649.1 and 11 more transcripts); c.2311T>G, p.Cys771Gly (NM_001407942.1, NM_001407944.1, NM_001407945.1 and 29 more transcripts); c.2308T>G, p.Cys770Gly (NM_001407943.1, NM_001407964.1, NM_001407740.1 and 20 more transcripts); c.2119T>G, p.Cys707Gly (NM_001407946.1, NM_001407947.1, NM_001407948.1 and 6 more transcripts); c.2116T>G, p.Cys706Gly (NM_001407954.1, NM_001407955.1, NM_001407956.1 and 1 more transcripts); and 41 more; short protein forms C771G, C818G, C691G, C707G, C729G, C750G, C792G, C817G.
Identifiers: ClinVar variation 1791515 (VCV001791515.4), dbSNP rs2154376722, ClinGen allele CA10597104.

ClinVar aggregate classification (germline): Conflicting classifications of pathogenicity. Review status: criteria provided, conflicting classifications (1 of 4 stars). 2 submissions from 2 submitters: Uncertain significance (1); Likely benign (1). Last evaluated 2023-03-23.

Conditions:
Hereditary cancer-predisposing syndrome. Also called: Hereditary Cancer Syndrome; Hereditary neoplastic syndrome; Tumor predisposition; Neoplastic Syndromes, Hereditary. Identifiers: Orphanet 140162, MedGen C0027672, MeSH D009386, MONDO:0015356.

Allele frequency attached by ClinVar (database versions not stated): gnomAD exomes below 0.00001.
gnomAD v4.1: 1 of 1,613,752 alleles (0.000062%); highest among the groups gnomAD compares: Non-Finnish European, 0.000085%; no homozygotes.

Submissions (2):

University of Washington Department of Laboratory Medicine, University of Washington
Classification: Likely benign for Hereditary cancer-predisposing syndrome. Last evaluated: 2023-03-23. Review status: criteria provided, single submitter. Criteria: Dines et al. (Genet Med. 2020). Collection method: curation. Allele origin: germline.
Comment: Missense variant in a coldspot region where missense variants are very unlikely to be pathogenic (PMID:31911673).

BRCA1 coldspot (exon 11 using historical exon numbering). Reclassification based on statistical prior probability

Ambry Genetics
Classification: Uncertain significance for Hereditary cancer-predisposing syndrome. Last evaluated: 2021-03-05. Review status: criteria provided, single submitter. Criteria: Ambry Variant Classification Scheme 2023. Collection method: clinical testing. Allele origin: germline.
Comment: The p.C818G variant (also known as c.2452T>G), located in coding exon 9 of the BRCA1 gene, results from a T to G substitution at nucleotide position 2452. The cysteine at codon 818 is replaced by glycine, an amino acid with highly dissimilar properties. This amino acid position is well conserved in available vertebrate species. In addition, the in silico prediction for this alteration is inconclusive. Since supporting evidence is limited at this time, the clinical significance of this alteration remains unclear.